The following is an entry in ClinVar:

NM_001244926.2(PRPF4):c.958G>A (p.Gly320Ser)

Gene: PRPF4 (pre-mRNA splicing tri-snRNP complex factor PRPF4; plus strand). Cytogenetic location: 9q32.
Variant type: single nucleotide variant.
Coding change: c.958G>A on transcript NM_001244926.2 (MANE Select); coding-DNA position 958, G replaced by A.
Protein change: p.Gly320Ser; replaces glycine 320 with serine.
Molecular consequence: missense variant. On other transcripts: non-coding transcript variant (2).
Genome position (GRCh38, 1-based): chr9:113,288,200, G>A. VCF-style: chr9-113288200-G-A. GRCh37 (hg19) VCF-style: chr9-116050480-G-A.
Other names: c.232G>A, p.Gly78Ser (NM_001322266.2, NM_001322267.2); c.961G>A, p.Gly321Ser (NM_004697.5); short protein forms G78S, G321S, G320S.
Identifiers: ClinVar variation 4730300 (VCV004730300.1).
Genomic context (GRCh38, chr9:113,288,200, plus strand): 5'-CTATAAAATTGTTTATATGTTTGGTTCCTTTCCAGTGATGAACCAGTGGCAGATATTGAA[G>A]GCCATACAGTGCGTGTGGCGCGGGTAATGTGGCATCCTTCAGGACGTTTCCTGGGCACCA-3'
Protein context (NP_001231855.1, residues 310-330): DSDEPVADIE[Gly320Ser]HTVRVARVMW

ClinVar aggregate classification (germline): Uncertain significance (1 of 4 stars; one submission).

gnomAD v4.1: 1 of 1,614,194 alleles (0.000062%); highest among the groups gnomAD compares: Non-Finnish European, 0.000085%; no homozygotes.

Submission:

Labcorp Genetics (formerly Invitae), Labcorp
Classification: Uncertain significance. Last evaluated: 2025-11-08. Review status: criteria provided, single submitter. Criteria: Invitae Variant Classification Sherloc (09022015). Collection method: clinical testing. Allele origin: germline.
Comment: This sequence change replaces glycine, which is neutral and non-polar, with serine, which is neutral and polar, at codon 321 of the PRPF4 protein (p.Gly321Ser). This variant is not present in population databases (gnomAD no frequency). This variant has not been reported in the literature in individuals affected with PRPF4-related conditions. An algorithm developed to predict the effect of missense changes on protein structure and function (PolyPhen-2) suggests that this variant is likely to be disruptive. In summary, the available evidence is currently insufficient to determine the role of this variant in disease. Therefore, it has been classified as a Variant of Uncertain Significance.